The following is an entry in ClinVar:

ClinVar aggregate classification (germline): Uncertain significance (1 of 4 stars; one submission).

Submission:

Ambry Genetics
Classification: Uncertain significance. Last evaluated: 2024-08-19. Review status: criteria provided, single submitter. Criteria: Ambry Variant Classification Scheme 2023. Collection method: clinical testing. Allele origin: germline.
Comment: The p.E1534D variant (also known as c.4602G>T), located in coding exon 40 of the KIF1B gene, results from a G to T substitution at nucleotide position 4602. The glutamic acid at codon 1534 is replaced by aspartic acid, an amino acid with highly similar properties. This amino acid position is highly conserved in available vertebrate species. In addition, this alteration is predicted to be tolerated by in silico analysis. Based on the available evidence, the clinical significance of this variant remains unclear.

NM_001365951.3(KIF1B):c.4740G>T (p.Glu1580Asp)

Gene: KIF1B (kinesin family member 1B; plus strand). Cytogenetic location: 1p36.22.
Variant type: single nucleotide variant.
Coding change: c.4740G>T on transcript NM_001365951.3 (MANE Select); coding-DNA position 4740, G replaced by T.
Protein change: p.Glu1580Asp; replaces glutamic acid 1580 with aspartic acid.
Molecular consequence: missense variant.
Genome position (GRCh38, 1-based): chr1:10,365,636, G>T. VCF-style: chr1-10365636-G-T. GRCh37 (hg19) VCF-style: chr1-10425694-G-T.
Other names: c.4740G>T, p.Glu1580Asp (NM_001365952.1); c.4602G>T, p.Glu1534Asp (NM_015074.3); short protein forms E1580D, E1534D.
Identifiers: ClinVar variation 3533938 (VCV003533938.1).